The following is an entry in ClinVar:

ClinVar aggregate classification (germline): Uncertain significance (1 of 4 stars; one submission).

Submission:

Labcorp Genetics (formerly Invitae), Labcorp
Classification: Uncertain significance. Last evaluated: 2022-09-12. Review status: criteria provided, single submitter. Criteria: Invitae Variant Classification Sherloc (09022015). Collection method: clinical testing. Allele origin: germline.
Comment: Advanced modeling of protein sequence and biophysical properties (such as structural, functional, and spatial information, amino acid conservation, physicochemical variation, residue mobility, and thermodynamic stability) performed at Invitae indicates that this missense variant is not expected to disrupt NEU1 protein function. In summary, the available evidence is currently insufficient to determine the role of this variant in disease. Therefore, it has been classified as a Variant of Uncertain Significance. ClinVar contains an entry for this variant (Variation ID: 1518398). This variant has not been reported in the literature in individuals affected with NEU1-related conditions. This variant is not present in population databases (gnomAD no frequency). This sequence change replaces proline, which is neutral and non-polar, with alanine, which is neutral and non-polar, at codon 365 of the NEU1 protein (p.Pro365Ala).

NM_000434.4(NEU1):c.1093C>G (p.Pro365Ala)

Gene: NEU1 (neuraminidase 1; minus strand). Cytogenetic location: 6p21.33.
Variant type: single nucleotide variant.
Coding change: c.1093C>G on transcript NM_000434.4 (MANE Select); coding-DNA position 1093, C replaced by G.
Protein change: p.Pro365Ala; replaces proline 365 with alanine.
Molecular consequence: missense variant.
Genome position (GRCh38, 1-based): chr6:31,859,874, G>C on the plus strand (C>G on the coding strand, the complement: NEU1 is on the minus strand). VCF-style: chr6-31859874-G-C. GRCh37 (hg19) VCF-style: chr6-31827651-G-C.
Other names: short protein forms P365A.
Identifiers: ClinVar variation 1518398 (VCV001518398.6), dbSNP rs2151543823, ClinGen allele CA363485500.